The following is an entry in ClinVar:

NM_020937.4(FANCM):c.4096G>A (p.Glu1366Lys)

Gene: FANCM (FA complementation group M; plus strand). Cytogenetic location: 14q21.2.
Variant type: single nucleotide variant.
Coding change: c.4096G>A on transcript NM_020937.4 (MANE Select); coding-DNA position 4096, G replaced by A.
Protein change: p.Glu1366Lys; replaces glutamic acid 1366 with lysine.
Molecular consequence: missense variant.
Genome position (GRCh38, 1-based): chr14:45,176,850, G>A. VCF-style: chr14-45176850-G-A. GRCh37 (hg19) VCF-style: chr14-45646053-G-A.
Other names: c.4096G>A (NM_020937.2); c.4018G>A, p.Glu1340Lys (NM_001308133.2); short protein forms E1340K, E1366K.
Identifiers: ClinVar variation 1481694 (VCV001481694.9), dbSNP rs2139253441, ClinGen allele CA389604288.

ClinVar aggregate classification (germline): Uncertain significance. Review status: criteria provided, multiple submitters, no conflicts (2 of 4 stars). 2 submissions from 2 submitters: Uncertain significance (2). Last evaluated 2025-03-17.

Conditions:
Inborn genetic diseases. Identifiers: MedGen C0950123, MeSH D030342.
Fanconi anemia (FA). Also called: Fanconi's anemia. Identifiers: Orphanet 84, MedGen C0015625, MeSH D005199, MONDO:0019391.

Submissions (2):

Ambry Genetics
Classification: Uncertain significance for Inborn genetic diseases. Last evaluated: 2025-03-17. Review status: criteria provided, single submitter. Criteria: Ambry Variant Classification Scheme 2023. Collection method: clinical testing. Allele origin: germline.
Comment: The p.E1366K variant (also known as c.4096G>A), located in coding exon 14 of the FANCM gene, results from a G to A substitution at nucleotide position 4096. The glutamic acid at codon 1366 is replaced by lysine, an amino acid with similar properties. This amino acid position is conserved. In addition, this alteration is predicted to be tolerated by in silico analysis. Based on the available evidence, the clinical significance of this variant remains unclear.

Labcorp Genetics (formerly Invitae), Labcorp
Classification: Uncertain significance for Fanconi anemia. Last evaluated: 2021-08-10. Review status: criteria provided, single submitter. Criteria: Invitae Variant Classification Sherloc (09022015). Collection method: clinical testing. Allele origin: germline.
Comment: Algorithms developed to predict the effect of missense changes on protein structure and function output the following: SIFT: "Tolerated"; PolyPhen-2: "Benign"; Align-GVGD: "Class C0". The lysine amino acid residue is found in multiple mammalian species, suggesting that this missense change does not adversely affect protein function. These predictions have not been confirmed by published functional studies and their clinical significance is uncertain. In summary, the available evidence is currently insufficient to determine the role of this variant in disease. Therefore, it has been classified as a Variant of Uncertain Significance. This variant has not been reported in the literature in individuals with FANCM-related conditions. This variant is not present in population databases (ExAC no frequency). This sequence change replaces glutamic acid with lysine at codon 1366 of the FANCM protein (p.Glu1366Lys). The glutamic acid residue is weakly conserved and there is a small physicochemical difference between glutamic acid and lysine.